The following is an entry in ClinVar:

NM_000264.5(PTCH1):c.814A>C (p.Asn272His)

Gene: PTCH1 (patched 1; minus strand). Cytogenetic location: 9q22.32.
Variant type: single nucleotide variant.
Coding change: c.814A>C on transcript NM_000264.5 (MANE Select); coding-DNA position 814, A replaced by C.
Protein change: p.Asn272His; replaces asparagine 272 with histidine.
Molecular consequence: missense variant. On other transcripts: non-coding transcript variant (1).
Genome position (GRCh38, 1-based): chr9:95,480,521, T>G on the plus strand (A>C on the coding strand, the complement: PTCH1 is on the minus strand). VCF-style: chr9-95480521-T-G. GRCh37 (hg19) VCF-style: chr9-98242803-T-G.
Other names: c.616A>C, p.Asn206His (NM_001083602.3); c.811A>C, p.Asn271His (NM_001083603.3); c.361A>C, p.Asn121His (NM_001083604.3, NM_001083605.3, NM_001083606.3 and 1 more transcripts); c.814A>C, p.Asn272His (NM_001354918.2); short protein forms N206H, N121H, N271H, N272H.
Identifiers: ClinVar variation 3427201 (VCV003427201.3).

ClinVar aggregate classification (germline): Uncertain significance. Review status: criteria provided, multiple submitters, no conflicts (2 of 4 stars). 2 submissions from 2 submitters: Uncertain significance (2). Last evaluated 2025-08-07.

Conditions:
Hereditary cancer-predisposing syndrome. Also called: Hereditary Cancer Syndrome; Hereditary neoplastic syndrome; Neoplastic Syndromes, Hereditary; Tumor predisposition. Identifiers: Orphanet 140162, MedGen C0027672, MeSH D009386, MONDO:0015356.
Gorlin syndrome. Also called: Basal cell nevus syndrome; Nevoid Basal Cell Carcinoma Syndrome. Identifiers: Orphanet 377, MedGen C0004779, MONDO:0007187.

gnomAD v4.1: 1 of 1,613,578 alleles (0.000062%); highest among the groups gnomAD compares: African/African-American, 0.0013%; no homozygotes.

Submissions (2):

Labcorp Genetics (formerly Invitae), Labcorp
Classification: Uncertain significance for Gorlin syndrome. Last evaluated: 2025-08-07. Review status: criteria provided, single submitter. Criteria: Invitae Variant Classification Sherloc (09022015). Collection method: clinical testing. Allele origin: germline.
Comment: This sequence change replaces asparagine, which is neutral and polar, with histidine, which is basic and polar, at codon 272 of the PTCH1 protein (p.Asn272His). This variant is not present in population databases (gnomAD no frequency). This variant has not been reported in the literature in individuals affected with PTCH1-related conditions. ClinVar contains an entry for this variant (Variation ID: 3427201). Invitae Evidence Modeling of protein sequence and biophysical properties (such as structural, functional, and spatial information, amino acid conservation, physicochemical variation, residue mobility, and thermodynamic stability) indicates that this missense variant is not expected to disrupt PTCH1 protein function with a negative predictive value of 95%. In summary, the available evidence is currently insufficient to determine the role of this variant in disease. Therefore, it has been classified as a Variant of Uncertain Significance.

Ambry Genetics
Classification: Uncertain significance for Hereditary cancer-predisposing syndrome. Last evaluated: 2024-11-22. Review status: criteria provided, single submitter. Criteria: Ambry Variant Classification Scheme 2023. Collection method: clinical testing. Allele origin: germline.
Comment: The p.N272H variant (also known as c.814A>C), located in coding exon 6 of the PTCH1 gene, results from an A to C substitution at nucleotide position 814. The asparagine at codon 272 is replaced by histidine, an amino acid with similar properties. This amino acid position is conserved. In addition, this alteration is predicted to be tolerated by in silico analysis. Based on the available evidence, the clinical significance of this variant remains unclear.